The following is an entry in ClinVar:

ClinVar aggregate classification (germline): Uncertain significance (1 of 4 stars; one submission).

Conditions:
Hereditary cancer-predisposing syndrome. Also called: Neoplastic Syndromes, Hereditary; Tumor predisposition; Hereditary Cancer Syndrome; Hereditary neoplastic syndrome. Identifiers: Orphanet 140162, MedGen C0027672, MeSH D009386, MONDO:0015356.

gnomAD v4.1: 1 of 1,614,012 alleles (0.000062%); highest among the groups gnomAD compares: African/African-American, 0.0013%; no homozygotes.

Submission:

Ambry Genetics
Classification: Uncertain significance for Hereditary cancer-predisposing syndrome. Last evaluated: 2025-12-15. Review status: criteria provided, single submitter. Criteria: Ambry Variant Classification Scheme 2023. Collection method: clinical testing. Allele origin: germline.
Comment: The p.V714L variant (also known as c.2140G>T), located in coding exon 14 of the CTNNA1 gene, results from a G to T substitution at nucleotide position 2140. The valine at codon 714 is replaced by leucine, an amino acid with highly similar properties. This amino acid position is conserved. In addition, the in silico prediction for this alteration is inconclusive. Based on the available evidence, the clinical significance of this variant remains unclear.

NM_001903.5(CTNNA1):c.2140G>T (p.Val714Leu)

Gene: CTNNA1 (catenin alpha 1; plus strand). Cytogenetic location: 5q31.2.
Variant type: single nucleotide variant.
Coding change: c.2140G>T on transcript NM_001903.5 (MANE Select); coding-DNA position 2140, G replaced by T.
Protein change: p.Val714Leu; replaces valine 714 with leucine.
Molecular consequence: missense variant.
Genome position (GRCh38, 1-based): chr5:138,930,602, G>T. VCF-style: chr5-138930602-G-T. GRCh37 (hg19) VCF-style: chr5-138266291-G-T.
Other names: c.1030G>T, p.Val344Leu (NM_001323993.1, NM_001323994.1, NM_001323995.1 and 17 more transcripts); c.2140G>T, p.Val714Leu (NM_001290307.3, NM_001323982.2, NM_001323983.1 and 2 more transcripts); c.1831G>T, p.Val611Leu (NM_001290309.3); c.1771G>T, p.Val591Leu (NM_001290310.3); c.2047G>T, p.Val683Leu (NM_001323986.2); c.787G>T, p.Val263Leu (NM_001324012.1, NM_001324013.1); c.691G>T, p.Val231Leu (NM_001324006.1, NM_001324007.1, NM_001324008.1 and 2 more transcripts); c.937G>T, p.Val313Leu (NM_001324011.1); short protein forms V611L, V263L, V313L, V714L, V231L, V344L, V591L, V683L.
Identifiers: ClinVar variation 4841643 (VCV004841643.1).